The following is an entry in ClinVar:

NM_007294.4(BRCA1):c.1913A>C (p.Glu638Ala)

Gene: BRCA1 (BRCA1 DNA repair associated; minus strand). Cytogenetic location: 17q21.31.
Variant type: single nucleotide variant.
Coding change: c.1913A>C on transcript NM_007294.4 (MANE Select); coding-DNA position 1913, A replaced by C.
Protein change: p.Glu638Ala; replaces glutamic acid 638 with alanine.
Molecular consequence: missense variant. On other transcripts: intron variant (137).
Genome position (GRCh38, 1-based): chr17:43,093,618, T>G on the plus strand (A>C on the coding strand, the complement: BRCA1 is on the minus strand). VCF-style: chr17-43093618-T-G. GRCh37 (hg19) VCF-style: chr17-41245635-T-G.
Other names: c.1913A>C, p.Glu638Ala (NM_001407582.1, NM_001407583.1, NM_001407585.1 and 30 more transcripts); c.1910A>C, p.Glu637Ala (NM_001407587.1, NM_001407590.1, NM_001407591.1 and 22 more transcripts); c.1904A>C, p.Glu635Ala (NM_001407646.1, NM_001407647.1); c.1790A>C, p.Glu597Ala (NM_001407648.1, NM_001407664.1, NM_001407665.1 and 19 more transcripts); c.1787A>C, p.Glu596Ala (NM_001407649.1, NM_001407670.1, NM_001407671.1 and 11 more transcripts); c.1835A>C, p.Glu612Ala (NM_001407653.1, NM_001407654.1, NM_001407655.1 and 4 more transcripts); c.1832A>C, p.Glu611Ala (NM_001407659.1, NM_001407660.1, NM_001407661.1 and 1 more transcripts); c.1772A>C, p.Glu591Ala (NM_001407692.1, NM_001407694.1, NM_001407695.1 and 29 more transcripts); and 40 more; short protein forms E638A, E591A, E470A, E510A, E511A, E526A, E527A, E590A.
Identifiers: ClinVar variation 185123 (VCV000185123.6), dbSNP rs786201944, ClinGen allele CA001257.

ClinVar aggregate classification (germline): Conflicting classifications of pathogenicity. Review status: criteria provided, conflicting classifications (1 of 4 stars). 2 submissions from 2 submitters: Uncertain significance (1); Likely benign (1). Last evaluated 2023-03-23.

Conditions:
Hereditary cancer-predisposing syndrome. Also called: Hereditary neoplastic syndrome; Neoplastic Syndromes, Hereditary; Tumor predisposition; Hereditary Cancer Syndrome. Identifiers: Orphanet 140162, MedGen C0027672, MeSH D009386, MONDO:0015356.

Submissions (2):

University of Washington Department of Laboratory Medicine, University of Washington
Classification: Likely benign for Hereditary cancer-predisposing syndrome. Last evaluated: 2023-03-23. Review status: criteria provided, single submitter. Criteria: Dines et al. (Genet Med. 2020). Collection method: curation. Allele origin: germline.
Comment: Missense variant in a coldspot region where missense variants are very unlikely to be pathogenic (PMID:31911673).

BRCA1 coldspot (exon 11 using historical exon numbering). Reclassification based on statistical prior probability

Ambry Genetics
Classification: Uncertain significance for Hereditary cancer-predisposing syndrome. Last evaluated: 2014-05-16. Review status: criteria provided, single submitter. Criteria: Ambry Autosomal Dominant and X-Linked criteria (10/2015). Collection method: clinical testing. Allele origin: germline. Observed: 1 variant allele.
Comment: The p.E638A variant (also known as c.1913A>C or 2032A>C), located in coding exon 9 of the BRCA1 gene, results from an A to C substitution at nucleotide position 1913. The glutamic acid at codon 638 is replaced by alanine, an amino acid with dissimilar properties. This variant was not reported in population based cohorts in the following databases: Database of Single Nucleotide Polymorphisms (dbSNP), NHLBI Exome Sequencing Project (ESP), and 1000 Genomes Project.To date, this alteration has been detected with an allele frequency of approximately 0.002% (greater than 42,000 alleles tested) in our clinical cohort (includes this individual). Based on protein sequence alignment, this amino acid position is well conserved in available vertebrate species. In addition, this alteration is predicted to be probably damaging and deleterious by PolyPhen and SIFT in silico analyses, respectively. Since supporting evidence is limited at this time, the clinical significance of p.E638A remains unclear.